The following is an entry in ClinVar:

NM_001379291.1(BRD4):c.1292A>C (p.Lys431Thr)

Gene: BRD4 (bromodomain containing 4; minus strand). Cytogenetic location: 19p13.12.
Variant type: single nucleotide variant.
Coding change: c.1292A>C on transcript NM_001379291.1 (MANE Select); coding-DNA position 1292, A replaced by C.
Protein change: p.Lys431Thr; replaces lysine 431 with threonine.
Molecular consequence: missense variant.
Genome position (GRCh38, 1-based): chr19:15,263,469, T>G on the plus strand (A>C on the coding strand, the complement: BRD4 is on the minus strand). VCF-style: chr19-15263469-T-G. GRCh37 (hg19) VCF-style: chr19-15374280-T-G.
Other names: c.1292A>C, p.Lys431Thr (NM_001379292.1, NM_014299.3, NM_058243.3 and 1 more transcripts); short protein forms K431T.
Identifiers: ClinVar variation 2627597 (VCV002627597.2), dbSNP rs2512579961, ClinGen allele CA404483825.
Genomic context (GRCh38, chr19:15,263,469, plus strand): 5'-CCAAGCCTCACCTGGAGCTTGCGGGCCATGGCCACCACCTCATGGTCAGGAGGGTTGTAC[T>G]TATAGCAGTTGGAGAACATCAATCGGACGTCAGCACCAAACTCCTGAGCATCACGGTACT-3'
Protein context (NP_001366220.1, residues 421-441): DVRLMFSNCY[Lys431Thr]YNPPDHEVVA

ClinVar aggregate classification (germline): Uncertain significance (1 of 4 stars; one submission).

Conditions:
Cornelia de Lange syndrome 1 (CDLS1). Also called: NIPBL-Related Cornelia de Lange Syndrome; Brachmann de Lange syndrome; TYPUS DEGENERATIVUS AMSTELODAMENSIS. Identifiers: Orphanet 199, MedGen C4551851, MONDO:0007387, OMIM 122470.

Submission:

Institute of Human Genetics, University of Leipzig Medical Center
Classification: Uncertain significance for Cornelia de Lange syndrome 1. Last evaluated: 2023-10-12. Review status: criteria provided, single submitter. Criteria: ACMG Guidelines, 2015. Collection method: clinical testing. Allele origin: unknown. Inheritance: Autosomal dominant inheritance. Affected: yes.
Comment: Criteria applied: PM2_SUP,PP2